The following is an entry in ClinVar:

NM_024675.4(PALB2):c.1538C>T (p.Thr513Ile)

Gene: PALB2 (partner and localizer of BRCA2; minus strand). Cytogenetic location: 16p12.2.
Variant type: single nucleotide variant.
Coding change: c.1538C>T on transcript NM_024675.4 (MANE Select); coding-DNA position 1538, C replaced by T.
Protein change: p.Thr513Ile; replaces threonine 513 with isoleucine.
Molecular consequence: missense variant.
Genome position (GRCh38, 1-based): chr16:23,635,008, G>A on the plus strand (C>T on the coding strand, the complement: PALB2 is on the minus strand). VCF-style: chr16-23635008-G-A. GRCh37 (hg19) VCF-style: chr16-23646329-G-A.
Other names: short protein forms T513I.
Identifiers: ClinVar variation 490068 (VCV000490068.19), dbSNP rs778890869, ClinGen allele CA7963699.

ClinVar aggregate classification (germline): Conflicting classifications of pathogenicity. Review status: criteria provided, conflicting classifications (1 of 4 stars). 5 submissions from 5 submitters: Uncertain significance (3); Likely benign (1). 1 of the submissions does not count toward it. Last evaluated 2025-11-09.

Conditions:
Hereditary cancer-predisposing syndrome. Also called: Hereditary Cancer Syndrome; Neoplastic Syndromes, Hereditary; Tumor predisposition; Hereditary neoplastic syndrome. Identifiers: Orphanet 140162, MedGen C0027672, MeSH D009386, MONDO:0015356.
Familial cancer of breast. Also called: Hereditary breast cancer; BREAST CANCER, FAMILIAL; hereditary breast carcinoma. Identifiers: Orphanet 227535, MedGen C0346153, MONDO:0016419, OMIM 114480. Disease mechanism: loss of function.

Allele frequency attached by ClinVar (database versions not stated): gnomAD exomes below 0.00001 and 0.00001; TOPMed below 0.00001; ExAC 0.00001.
gnomAD v4.1: 5 of 1,614,120 alleles (0.00031%); highest among the groups gnomAD compares: East Asian, 0.0089%; no homozygotes.

Submissions (5):

Labcorp Genetics (formerly Invitae), Labcorp
Classification: Uncertain significance for Familial cancer of breast. Last evaluated: 2025-11-09. Review status: criteria provided, single submitter. Criteria: Invitae Variant Classification Sherloc (09022015). Collection method: clinical testing. Allele origin: germline.
Comment: This sequence change replaces threonine, which is neutral and polar, with isoleucine, which is neutral and non-polar, at codon 513 of the PALB2 protein (p.Thr513Ile). This variant is present in population databases (rs778890869, gnomAD 0.01%). This missense change has been observed in individual(s) with prostate cancer or a personal and/or family history of breast cancer (PMID: 27783279). ClinVar contains an entry for this variant (Variation ID: 490068). Invitae Evidence Modeling of protein sequence and biophysical properties (such as structural, functional, and spatial information, amino acid conservation, physicochemical variation, residue mobility, and thermodynamic stability) indicates that this missense variant is not expected to disrupt PALB2 protein function with a negative predictive value of 80%. In summary, the available evidence is currently insufficient to determine the role of this variant in disease. Therefore, it has been classified as a Variant of Uncertain Significance.

Ambry Genetics
Classification: Likely benign for Hereditary cancer-predisposing syndrome. Last evaluated: 2023-12-18. Review status: criteria provided, single submitter. Criteria: Ambry Variant Classification Scheme 2023. Collection method: clinical testing. Allele origin: germline.

Color Diagnostics, LLC DBA Color Health
Classification: Uncertain significance for Hereditary cancer-predisposing syndrome. Last evaluated: 2022-02-10. Review status: criteria provided, single submitter. Criteria: ACMG Guidelines, 2015. Collection method: clinical testing. Allele origin: germline.
Comment: This missense variant replaces threonine with isoleucine at codon 513 of the PALB2 protein. Computational prediction suggests that this variant may not impact protein structure and function (internally defined REVEL score threshold <= 0.5, PMID: 27666373). To our knowledge, functional studies have not been reported for this variant. In multiple case control studies, this variant has not shown a significant association with breast, pancreatic or prostate cancer (PMID: 30287823, 31214711, 32980694, 33471991 - Leiden Open Variation Database DB-ID PALB2_010472). This variant has been identified in 2/251486 chromosomes in the general population by the Genome Aggregation Database (gnomAD). The available evidence is insufficient to determine the role of this variant in disease conclusively. Therefore, this variant is classified as a Variant of Uncertain Significance.

Sema4
Classification: Uncertain significance for Hereditary cancer-predisposing syndrome. Last evaluated: 2021-10-22. Review status: criteria provided, single submitter. Criteria: Sema4 Curation Guidelines. Collection method: curation. Allele origin: germline.
Comment: The PALB2 c.1538C>T (p.T513I) variant has been reported in heterozygosity in several individuals with breast cancer (PMID: 27783279, 33471991). It has also been observed in healthy control populations (PMID: 33471991, 30287823, 32980694). It was observed in 2/18394 chromosomes of the East Asian subpopulation in the large and broad cohorts of the Genome Aggregation Database (PMID: 32461654). The variant has been reported in ClinVar (Variation ID 490068). In silico tools suggest the impact of the variant on protein function is benign, though these predictions have not been confirmed by functional studies. The evidence is insufficient to meet ACMG/AMP criteria for classifying the variant as benign or pathogenic. Thus, the clinical significance of this variant is currently uncertain.

Leiden Open Variation Database
Classification: Uncertain significance. Last evaluated: 2018-10-10. Review status: no assertion criteria provided. Collection method: curation. Allele origin: germline. Affected: yes. Not counted in ClinVar's aggregate classification.
Comment: Curators: Marc Tischkowitz, Arleen D. Auerbach. Submitter to LOVD: Yukihide Momozawa.

Literature cited by the submitters: PubMed 27783279 (cited by 3 submitters); PubMed 30287823 (cited by 4 submitters); PubMed 31214711 (cited by Color Diagnostics, LLC DBA Color Health); PubMed 32980694 (cited by Color Diagnostics, LLC DBA Color Health and Sema4); PubMed 33471991 (cited by Color Diagnostics, LLC DBA Color Health and Sema4).